The following is an entry in ClinVar:

ClinVar aggregate classification (germline): Uncertain significance (1 of 4 stars; one submission).

Conditions:
Anophthalmia/microphthalmia-esophageal atresia syndrome (MCOPS3). Also called: AEG SYNDROME; SOX2 Disorder; MICROPHTHALMIA AND ESOPHAGEAL ATRESIA SYNDROME. Identifiers: Orphanet 77298, MedGen C1859773, MONDO:0008799, OMIM 206900.

Allele frequency attached by ClinVar (database versions not stated): gnomAD exomes below 0.00001; ExAC 0.00001; gnomAD 0.00001.
gnomAD v4.1: 3 of 1,613,744 alleles (0.00019%); highest among the groups gnomAD compares: Non-Finnish European, 0.00025%; no homozygotes.

Submission:

Labcorp Genetics (formerly Invitae), Labcorp
Classification: Uncertain significance for Anophthalmia/microphthalmia-esophageal atresia syndrome. Last evaluated: 2022-09-02. Review status: criteria provided, single submitter. Criteria: Invitae Variant Classification Sherloc (09022015). Collection method: clinical testing. Allele origin: germline.
Comment: In summary, the available evidence is currently insufficient to determine the role of this variant in disease. Therefore, it has been classified as a Variant of Uncertain Significance. Algorithms developed to predict the effect of missense changes on protein structure and function (SIFT, PolyPhen-2, Align-GVGD) all suggest that this variant is likely to be tolerated. This variant has not been reported in the literature in individuals affected with SOX2-related conditions. This variant is present in population databases (rs778665464, gnomAD 0.002%). This sequence change replaces alanine, which is neutral and non-polar, with serine, which is neutral and polar, at codon 248 of the SOX2 protein (p.Ala248Ser).

NM_003106.4(SOX2):c.742G>T (p.Ala248Ser)

Genes: SOX2-OT (SOX2 overlapping transcript; plus strand), SOX2 (SRY-box transcription factor 2; plus strand). Cytogenetic location: 3q26.33.
Variant type: single nucleotide variant.
Coding change: c.742G>T on transcript NM_003106.4 (MANE Select); coding-DNA position 742, G replaced by T.
Protein change: p.Ala248Ser; replaces alanine 248 with serine.
Molecular consequence: missense variant.
Genome position (GRCh38, 1-based): chr3:181,713,102, G>T. VCF-style: chr3-181713102-G-T. GRCh37 (hg19) VCF-style: chr3-181430890-G-T.
Other names: short protein forms A248S.
Identifiers: ClinVar variation 2156459 (VCV002156459.4), dbSNP rs778665464, ClinGen allele CA2717315.